The following is an entry in ClinVar:

ClinVar aggregate classification (germline): Uncertain significance. Review status: criteria provided, multiple submitters, no conflicts (2 of 4 stars). 2 submissions from 2 submitters: Uncertain significance (2). Last evaluated 2025-11-08.

Conditions:
Inborn genetic diseases. Identifiers: MedGen C0950123, MeSH D030342.

Allele frequency attached by ClinVar (database versions not stated): ExAC 0.00003; gnomAD 0.00001; ESP Exome Variant Server 0.00008; TOPMed 0.00001; gnomAD exomes 0.00001.
gnomAD v4.1: 16 of 1,613,850 alleles (0.00099%); highest among the groups gnomAD compares: African/African-American, 0.0013%; no homozygotes.

Submissions (2):

Labcorp Genetics (formerly Invitae), Labcorp
Classification: Uncertain significance. Last evaluated: 2025-11-08. Review status: criteria provided, single submitter. Criteria: Invitae Variant Classification Sherloc (09022015). Collection method: clinical testing. Allele origin: germline.
Comment: This sequence change replaces proline, which is neutral and non-polar, with threonine, which is neutral and polar, at codon 1459 of the LRP6 protein (p.Pro1459Thr). This variant is present in population databases (rs370360394, gnomAD 0.007%). This variant has not been reported in the literature in individuals affected with LRP6-related conditions. ClinVar contains an entry for this variant (Variation ID: 2326464). Invitae Evidence Modeling of protein sequence and biophysical properties (such as structural, functional, and spatial information, amino acid conservation, physicochemical variation, residue mobility, and thermodynamic stability) indicates that this missense variant is not expected to disrupt LRP6 protein function with a negative predictive value of 80%. In summary, the available evidence is currently insufficient to determine the role of this variant in disease. Therefore, it has been classified as a Variant of Uncertain Significance.

Ambry Genetics
Classification: Uncertain significance for Inborn genetic diseases. Last evaluated: 2022-11-17. Review status: criteria provided, single submitter. Criteria: Ambry Variant Classification Scheme 2023. Collection method: clinical testing. Allele origin: germline.

NM_002336.3(LRP6):c.4375C>A (p.Pro1459Thr)

Gene: LRP6 (LDL receptor related protein 6; minus strand). Cytogenetic location: 12p13.2.
Variant type: single nucleotide variant.
Coding change: c.4375C>A on transcript NM_002336.3 (MANE Select); coding-DNA position 4375, C replaced by A.
Protein change: p.Pro1459Thr; replaces proline 1459 with threonine.
Molecular consequence: missense variant.
Genome position (GRCh38, 1-based): chr12:12,125,370, G>T on the plus strand (C>A on the coding strand, the complement: LRP6 is on the minus strand). VCF-style: chr12-12125370-G-T. GRCh37 (hg19) VCF-style: chr12-12278304-G-T.
Other names: c.4468C>A, p.Pro1490Thr (NM_001414244.1); c.4375C>A, p.Pro1459Thr (NM_001414245.1, NM_001414248.1, NM_001414249.1 and 1 more transcripts); c.4240C>A, p.Pro1414Thr (NM_001414246.1); c.4177C>A, p.Pro1393Thr (NM_001414247.1); c.4012C>A, p.Pro1338Thr (NM_001414251.1); c.3922C>A, p.Pro1308Thr (NM_001414252.1, NM_001414253.1, NM_001414254.1); c.3868C>A, p.Pro1290Thr (NM_001414255.1); short protein forms P1290T, P1414T, P1308T, P1338T, P1459T, P1393T, P1490T.
Identifiers: ClinVar variation 2326464 (VCV002326464.4), dbSNP rs370360394, ClinGen allele CA6454971.